The following is an entry in ClinVar:

NM_001367624.2(ZNF469):c.10346C>G (p.Ala3449Gly)

Gene: ZNF469 (zinc finger protein 469; plus strand). Cytogenetic location: 16q24.2.
Variant type: single nucleotide variant.
Coding change: c.10346C>G on transcript NM_001367624.2 (MANE Select); coding-DNA position 10346, C replaced by G.
Protein change: p.Ala3449Gly; replaces alanine 3449 with glycine.
Molecular consequence: missense variant.
Genome position (GRCh38, 1-based): chr16:88,437,816, C>G. VCF-style: chr16-88437816-C-G. GRCh37 (hg19) VCF-style: chr16-88504224-C-G.
Other names: NM_001127464.1:c.10262C>G; NM_001127464.2:c.10262C>G; short protein forms A3449G.
Identifiers: ClinVar variation 1769439 (VCV001769439.6), dbSNP rs962499926, ClinGen allele CA286386628.

ClinVar aggregate classification (germline): Uncertain significance. Review status: criteria provided, single submitter (1 of 4 stars). 2 submissions from 2 submitters: Uncertain significance (1). 1 of the submissions does not count toward it. Last evaluated 2025-02-22.

Conditions:
ZNF469-related disorder. Also called: ZNF469-related condition.
Cardiovascular phenotype. Identifiers: MedGen CN230736.

Allele frequency attached by ClinVar (database versions not stated): TOPMed below 0.00001; gnomAD 0.00001.
gnomAD v4.1: 12 of 1,542,806 alleles (0.00078%); highest among the groups gnomAD compares: African/African-American, 0.0014%; no homozygotes.

Submissions (2):

Ambry Genetics
Classification: Uncertain significance for Cardiovascular phenotype. Last evaluated: 2025-02-22. Review status: criteria provided, single submitter. Criteria: Ambry Variant Classification Scheme 2023. Collection method: clinical testing. Allele origin: germline.
Comment: The p.A3421G variant (also known as c.10262C>G), located in coding exon 2 of the ZNF469 gene, results from a C to G substitution at nucleotide position 10262. The alanine at codon 3421 is replaced by glycine, an amino acid with similar properties. This amino acid position is poorly conserved in available vertebrate species. In addition, this alteration is predicted to be tolerated by in silico analysis. Since supporting evidence is limited at this time, the clinical significance of this alteration remains unclear.

PreventionGenetics, part of Exact Sciences
Classification: Uncertain significance for ZNF469-related condition. Last evaluated: 2023-11-22. Review status: no assertion criteria provided. Collection method: clinical testing. Allele origin: germline. Not counted in ClinVar's aggregate classification.
Comment: The ZNF469 c.10262C>G variant is predicted to result in the amino acid substitution p.Ala3421Gly. To our knowledge, this variant has not been reported in the literature or in a large population database, indicating this variant is rare. At this time, the clinical significance of this variant is uncertain due to the absence of conclusive functional and genetic evidence.